The following is an entry in ClinVar:

ClinVar aggregate classification (germline): Uncertain significance (1 of 4 stars; one submission).

Conditions:
Familial focal epilepsy with variable foci (FPEVF). Identifiers: Orphanet 98820, MedGen C1858477, MONDO:0020310.

Allele frequency attached by ClinVar (database versions not stated): ExAC 0.00005.
gnomAD v4.1: 33 of 1,613,798 alleles (0.002%); highest among the groups gnomAD compares: South Asian, 0.033%; no homozygotes.

Submission:

Labcorp Genetics (formerly Invitae), Labcorp
Classification: Uncertain significance for Familial focal epilepsy with variable foci. Last evaluated: 2025-04-18. Review status: criteria provided, single submitter. Criteria: Invitae Variant Classification Sherloc (09022015). Collection method: clinical testing. Allele origin: germline.
Comment: This sequence change replaces serine, which is neutral and polar, with arginine, which is basic and polar, at codon 1593 of the DEPDC5 protein (p.Ser1593Arg). This variant is present in population databases (rs750919199, gnomAD 0.03%). This variant has not been reported in the literature in individuals affected with DEPDC5-related conditions. ClinVar contains an entry for this variant (Variation ID: 534792). Experimental studies and prediction algorithms are not available or were not evaluated, and the functional significance of this variant is currently unknown. In summary, the available evidence is currently insufficient to determine the role of this variant in disease. Therefore, it has been classified as a Variant of Uncertain Significance.

NM_001242896.3(DEPDC5):c.4779T>A (p.Ser1593Arg)

Gene: DEPDC5 (DEP domain containing 5, GATOR1 subcomplex subunit; plus strand). Cytogenetic location: 22q12.3.
Variant type: single nucleotide variant.
Coding change: c.4779T>A on transcript NM_001242896.3 (MANE Select); coding-DNA position 4779, T replaced by A.
Protein change: p.Ser1593Arg; replaces serine 1593 with arginine.
Molecular consequence: missense variant. On other transcripts: non-coding transcript variant (5).
Genome position (GRCh38, 1-based): chr22:31,906,464, T>A. VCF-style: chr22-31906464-T-A. GRCh37 (hg19) VCF-style: chr22-32302450-T-A.
Other names: c.4752T>A, p.Ser1584Arg (NM_001136029.4); c.4479T>A, p.Ser1493Arg (NM_001242897.2); c.4713T>A, p.Ser1571Arg (NM_001363852.2, NM_001364320.2); c.4545T>A, p.Ser1515Arg (NM_001363854.2, NM_001364319.2); c.4779T>A, p.Ser1593Arg (NM_001364318.2); c.4695T>A, p.Ser1565Arg (NM_001369901.1, NM_001369902.1); c.4686T>A, p.Ser1562Arg (NM_001369903.1, NM_014662.6); short protein forms S1493R, S1593R, S1515R, S1565R, S1562R, S1584R, S1571R.
Identifiers: ClinVar variation 534792 (VCV000534792.10), dbSNP rs750919199, ClinGen allele CA10197332.